The following is an entry in ClinVar:

ClinVar aggregate classification (germline): Uncertain significance (1 of 4 stars; one submission).

Conditions:
Inborn genetic diseases. Identifiers: MedGen C0950123, MeSH D030342.

Submission:

Ambry Genetics
Classification: Uncertain significance for Inborn genetic diseases. Last evaluated: 2026-05-10. Review status: criteria provided, single submitter. Criteria: Ambry Variant Classification Scheme 2023. Collection method: clinical testing. Allele origin: germline.
Comment: The c.73G>A (p.D25N) alteration is located in exon 1 (coding exon 1) of the CTSC gene. This alteration results from a G to A substitution at nucleotide position 73, causing the aspartic acid (D) at amino acid position 25 to be replaced by an asparagine (N). Based on data from gnomAD, the A allele has an overall frequency of <0.001% (0/191692) total alleles studied. The highest observed frequency was <0.001% (/) of alleles. Based on insufficient or conflicting evidence, the clinical significance of this alteration remains unclear.

NM_001814.6(CTSC):c.73G>A (p.Asp25Asn)

Genes: CTSC (cathepsin C; minus strand), LOC130006572 (ATAC-STARR-seq lymphoblastoid active region 5382; plus strand). Cytogenetic location: 11q14.2.
Variant type: single nucleotide variant.
Coding change: c.73G>A on transcript NM_001814.6 (MANE Select); coding-DNA position 73, G replaced by A.
Protein change: p.Asp25Asn; replaces aspartic acid 25 with asparagine.
Molecular consequence: missense variant.
Genome position (GRCh38, 1-based): chr11:88,337,600, C>T on the plus strand (G>A on the coding strand, the complement: CTSC is on the minus strand). VCF-style: chr11-88337600-C-T. GRCh37 (hg19) VCF-style: chr11-88070768-C-T.
Other names: c.73G>A, p.Asp25Asn (NM_001114173.3, NM_148170.5); short protein forms D25N.
Identifiers: ClinVar variation 4869541 (VCV004869541.1).